The following is an entry in ClinVar:

ClinVar aggregate classification (germline): Likely benign. Review status: criteria provided, multiple submitters, no conflicts (2 of 4 stars). 2 submissions from 2 submitters: Likely benign (2). Last evaluated 2026-01-13.

Allele frequency attached by ClinVar (database versions not stated): gnomAD exomes 0.00003; gnomAD 0.00004; TOPMed 0.00005; ExAC 0.00007; ESP Exome Variant Server 0.00008.
gnomAD v4.1: 75 of 1,592,462 alleles (0.0047%); highest among the groups gnomAD compares: Non-Finnish European, 0.0057%; no homozygotes.

Submissions (2):

Labcorp Genetics (formerly Invitae), Labcorp
Classification: Likely benign. Last evaluated: 2026-01-13. Review status: criteria provided, single submitter. Criteria: Invitae Variant Classification Sherloc (09022015). Collection method: clinical testing. Allele origin: germline.

CeGaT Center for Human Genetics Tuebingen
Classification: Likely benign. Last evaluated: 2024-11-01. Review status: criteria provided, single submitter. Criteria: CeGaT Center For Human Genetics Tuebingen Variant Classification Criteria Version 2. Collection method: clinical testing. Allele origin: germline. Affected: yes. Observed: 1 variant allele.
Comment: CACNA1E: BP4, BP7

NM_001205293.3(CACNA1E):c.3276G>A (p.Thr1092=)

Gene: CACNA1E (calcium voltage-gated channel subunit alpha1 E; plus strand). Cytogenetic location: 1q25.3.
Variant type: single nucleotide variant.
Coding change: c.3276G>A on transcript NM_001205293.3 (MANE Select); coding-DNA position 3276, G replaced by A.
Protein change: p.Thr1092=; no amino-acid change (threonine 1092 retained).
Molecular consequence: synonymous variant.
Genome position (GRCh38, 1-based): chr1:181,736,288, G>A. VCF-style: chr1-181736288-G-A. GRCh37 (hg19) VCF-style: chr1-181705424-G-A.
Other names: c.3276G>A, p.Thr1092= (NM_000721.4); c.3219G>A, p.Thr1073= (NM_001205294.2).
Identifiers: ClinVar variation 1537784 (VCV001537784.22), dbSNP rs373480042, ClinGen allele CA1275538.